The following is an entry in ClinVar:

ClinVar aggregate classification (germline): Uncertain significance (1 of 4 stars; one submission).

Conditions:
Facioscapulohumeral muscular dystrophy 2 (FSHD2). Also called: MUSCULAR DYSTROPHY, FACIOSCAPULOHUMERAL, TYPE 1B; FACIOSCAPULOHUMERAL MUSCULAR DYSTROPHY 2, DIGENIC; FSHD2, DIGENIC. Identifiers: Orphanet 269, MedGen C1834671, MONDO:0008031, OMIM 158901.

Submission:

Labcorp Genetics (formerly Invitae), Labcorp
Classification: Uncertain significance for Facioscapulohumeral muscular dystrophy 2. Last evaluated: 2022-03-04. Review status: criteria provided, single submitter. Criteria: Invitae Variant Classification Sherloc (09022015). Collection method: clinical testing. Allele origin: germline.
Comment: This variant is not present in population databases (gnomAD no frequency). In summary, the available evidence is currently insufficient to determine the role of this variant in disease. Therefore, it has been classified as a Variant of Uncertain Significance. Algorithms developed to predict the effect of missense changes on protein structure and function output the following: SIFT: "Tolerated"; PolyPhen-2: "Benign"; Align-GVGD: "Class C0". The glycine amino acid residue is found in multiple mammalian species, which suggests that this missense change does not adversely affect protein function. This variant has not been reported in the literature in individuals affected with SMCHD1-related conditions. This sequence change replaces arginine, which is basic and polar, with glycine, which is neutral and non-polar, at codon 50 of the SMCHD1 protein (p.Arg50Gly).

NM_015295.3(SMCHD1):c.148C>G (p.Arg50Gly)

Gene: SMCHD1 (structural maintenance of chromosomes flexible hinge domain containing 1; plus strand). Cytogenetic location: 18p11.32.
Variant type: single nucleotide variant.
Coding change: c.148C>G on transcript NM_015295.3 (MANE Select); coding-DNA position 148, C replaced by G.
Protein change: p.Arg50Gly; replaces arginine 50 with glycine.
Molecular consequence: missense variant.
Genome position (GRCh38, 1-based): chr18:2,656,223, C>G. VCF-style: chr18-2656223-C-G. GRCh37 (hg19) VCF-style: chr18-2656222-C-G.
Other names: short protein forms R50G.
Identifiers: ClinVar variation 2075305 (VCV002075305.4), dbSNP rs1279507314, ClinGen allele CA401685242.